The following is an entry in ClinVar:

ClinVar aggregate classification (germline): Benign (1 of 4 stars; one submission).

Allele frequency attached by ClinVar (database versions not stated): 1000 Genomes Project 30x 0.00109.

Submission:

CeGaT Center for Human Genetics Tuebingen
Classification: Benign. Last evaluated: 2022-06-01. Review status: criteria provided, single submitter. Criteria: CeGaT Center For Human Genetics Tuebingen Variant Classification Criteria Version 2. Collection method: clinical testing. Allele origin: germline. Affected: yes. Observed: 1 variant allele.
Comment: CEL: BS1, BS2

NM_001807.6(CEL):c.1137C>T (p.Gly379=)

Gene: CEL (carboxyl ester lipase; plus strand). Cytogenetic location: 9q34.13.
Variant type: single nucleotide variant.
Coding change: c.1137C>T on transcript NM_001807.6 (MANE Select); coding-DNA position 1137, C replaced by T.
Protein change: p.Gly379=; no amino-acid change (glycine 379 retained).
Molecular consequence: synonymous variant.
Genome position (GRCh38, 1-based): chr9:133,069,110, C>T. VCF-style: chr9-133069110-C-T. GRCh37 (hg19) VCF-style: chr9-135944497-C-T.
Identifiers: ClinVar variation 2659666 (VCV002659666.24), dbSNP rs200284601, ClinGen allele CA5303295.
Genomic context (GRCh38, chr9:133,069,110, plus strand): 5'-CCCCAGGGAGGACTTCTACAAGCTGGTCAGTGAGTTCACAATCACCAAGGGGCTCAGAGG[C>T]GCCAAGACGACCTTTGATGTCTACACCGAGTCCTGGGCCCAGGACCCATCCCAGGAGAAT-3'
Protein context (NP_001798.3, residues 369-389): SEFTITKGLR[Gly379=]AKTTFDVYTE